The following is an entry in ClinVar:

NM_170707.4(LMNA):c.884C>T (p.Ser295Leu)

Gene: LMNA (lamin A/C; plus strand). Cytogenetic location: 1q22.
Variant type: single nucleotide variant.
Coding change: c.884C>T on transcript NM_170707.4 (MANE Select); coding-DNA position 884, C replaced by T.
Protein change: p.Ser295Leu; replaces serine 295 with leucine.
Molecular consequence: missense variant.
Genome position (GRCh38, 1-based): chr1:156,135,260, C>T. VCF-style: chr1-156135260-C-T. GRCh37 (hg19) VCF-style: chr1-156105051-C-T.
Other names: p.Ser295Leu; c.548C>T, p.Ser183Leu (NM_001257374.3); c.641C>T, p.Ser214Leu (NM_001282624.2); c.884C>T, p.Ser295Leu (NM_001282625.2, NM_001282626.2, NM_005572.4 and 1 more transcripts); short protein forms S295L, S183L, S214L.
Identifiers: ClinVar variation 518983 (VCV000518983.30), dbSNP rs769210828, ClinGen allele CA054591.

ClinVar aggregate classification (germline): Uncertain significance. Review status: criteria provided, multiple submitters, no conflicts (2 of 4 stars). 10 submissions from 10 submitters: Uncertain significance (8). 2 of the submissions do not count toward it. Last evaluated 2025-03-17.

Conditions:
Cardiovascular phenotype. Identifiers: MedGen CN230736.
Charcot-Marie-Tooth disease type 2. Also called: Charcot-Marie-Tooth type 2. Identifiers: Orphanet 64746, MedGen C0270914, MONDO:0018993.
Primary dilated cardiomyopathy (DCM). Also called: Dilated Cardiomyopathy. Identifiers: Orphanet 217604, MedGen C0007193, MeSH D002311, MONDO:0005021, HP:0001644. Inheritance: Various modes of inheritance.
Cardiomyopathy (CMYO). Also called: Cardiomyopathies. Identifiers: Orphanet 167848, MedGen C0878544, MONDO:0004994, HP:0001638. Inheritance: Various modes of inheritance.

Allele frequency attached by ClinVar (database versions not stated): gnomAD exomes 0.00001 and 0.00002; gnomAD 0.00002 and 0.00003; TOPMed 0.00002; ExAC 0.00003.
gnomAD v4.1: 23 of 1,613,512 alleles (0.0014%); highest among the groups gnomAD compares: Admixed American, 0.0033%; no homozygotes.

Submissions (10):

Labcorp Genetics (formerly Invitae), Labcorp
Classification: Uncertain significance for Charcot-Marie-Tooth disease type 2. Last evaluated: 2025-03-17. Review status: criteria provided, single submitter. Criteria: Invitae Variant Classification Sherloc (09022015). Collection method: clinical testing. Allele origin: germline.
Comment: This sequence change replaces serine, which is neutral and polar, with leucine, which is neutral and non-polar, at codon 295 of the LMNA protein (p.Ser295Leu). This variant is present in population databases (rs769210828, gnomAD 0.003%). This missense change has been observed in individual(s) with dilated cardiomyopathy and/or hypertrophic cardiomyopathy (PMID: 20848652, 30847666, 34621001; internal data). ClinVar contains an entry for this variant (Variation ID: 518983). Invitae Evidence Modeling of protein sequence and biophysical properties (such as structural, functional, and spatial information, amino acid conservation, physicochemical variation, residue mobility, and thermodynamic stability) indicates that this missense variant is expected to disrupt LMNA protein function with a positive predictive value of 95%. Experimental studies have shown that this missense change does not substantially affect LMNA function (PMID: 34862408). In summary, the available evidence is currently insufficient to determine the role of this variant in disease. Therefore, it has been classified as a Variant of Uncertain Significance.

Ambry Genetics
Classification: Uncertain significance for Cardiovascular phenotype. Last evaluated: 2024-03-01. Review status: criteria provided, single submitter. Criteria: Ambry Variant Classification Scheme 2023. Collection method: clinical testing. Allele origin: germline.
Comment: The p.S295L variant (also known as c.884C>T), located in coding exon 5 of the LMNA gene, results from a C to T substitution at nucleotide position 884. The serine at codon 295 is replaced by leucine, an amino acid with dissimilar properties. This alteration has been reported in a hypertrophic cardiomyopathy cohort and dilated cardiomyopathy cohort; however, clinical details were limited (Lopes LR et al. Heart, 2015 Feb;101:294-301; Boen HM et al. J Heart Lung Transplant, 2022 Sep;41:1218-1227). This variant was detected in a cardiomyopathy/arrhythmia genetic testing cohort; however, clinical details were limited, and additional cardiac variants were detected in some cases (van Lint FHM et al. Neth Heart J, 2019 Jun;27:304-309). This alteration has also been reported as a secondary finding in an exome cohort (Chetruengchai W et al. J Hum Genet, 2022 Mar;67:137-142). Another alteration affecting this amino acid (p.S295P, c.883T>C) has been reported in a single individual with muscular dystrophy and cardiomyopathy with conduction disease (Scharner J et al. Hum. Mutat., 2011 Feb;32:152-67). This amino acid position is not well conserved in available vertebrate species. In addition, the in silico prediction for this alteration is inconclusive. Since supporting evidence is limited at this time, the clinical significance of this alteration remains unclear.

All of Us Research Program, National Institutes of Health
Classification: Uncertain significance for Primary dilated cardiomyopathy. Last evaluated: 2023-10-27. Review status: criteria provided, single submitter. Criteria: ACMG Guidelines, 2015. Collection method: clinical testing. Allele origin: germline. Inheritance: Autosomal dominant inheritance. Observed: 2 variant alleles, 2 heterozygotes.
Comment: This missense variant replaces serine with leucine at codon 295 of the LMNA protein. Computational prediction suggests that this variant may not impact protein structure and function (internally defined REVEL score threshold <= 0.5, PMID: 27666373). To our knowledge, functional studies have not been reported for this variant. This variant has been reported in an individual affected with dilated cardiomyopathy (PMID: 30847666), in an individual affected with unspecified cardiomyopathy (PMID: 35581137), and in an individual affected with hypertrophic cardiomyopathy (PMID: 25351510). This variant has been identified in 7/281984 chromosomes in the general population by the Genome Aggregation Database (gnomAD). The available evidence is insufficient to determine the role of this variant in disease conclusively. Therefore, this variant is classified as a Variant of Uncertain Significance.

This study involves interpretation of variants in research participants for the purpose of population health screening. Participant phenotype was not available at the time of variant classification. Additional details can be found in publication PMID: 35346344, PMCID: PMC8962531

Mayo Clinic Laboratories, Mayo Clinic
Classification: Uncertain significance. Last evaluated: 2023-10-13. Review status: criteria provided, single submitter. Criteria: ACMG Guidelines, 2015. Collection method: clinical testing. Allele origin: germline. Observed: 1 variant allele.

Color Diagnostics, LLC DBA Color Health
Classification: Uncertain significance for Cardiomyopathy. Last evaluated: 2023-07-06. Review status: criteria provided, single submitter. Criteria: ACMG Guidelines, 2015. Collection method: clinical testing. Allele origin: germline.
Comment: This missense variant replaces serine with leucine at codon 295 of the LMNA protein. Computational prediction suggests that this variant may not impact protein structure and function (internally defined REVEL score threshold <= 0.5, PMID: 27666373). To our knowledge, functional studies have not been reported for this variant. This variant has been reported in an individual affected with dilated cardiomyopathy (PMID: 30847666), in an individual affected with unspecified cardiomyopathy (PMID: 35581137), and in an individual affected with hypertrophic cardiomyopathy (PMID: 25351510). This variant has been identified in 7/281984 chromosomes in the general population by the Genome Aggregation Database (gnomAD). The available evidence is insufficient to determine the role of this variant in disease conclusively. Therefore, this variant is classified as a Variant of Uncertain Significance.

GeneDx
Classification: Uncertain significance. Last evaluated: 2023-03-28. Review status: criteria provided, single submitter. Criteria: GeneDx Variant Classification Process June 2021. Collection method: clinical testing. Allele origin: germline. Affected: yes.
Comment: Reported previously as a variant of uncertain significance in a parent whose child had a diagnosis of heterotaxy; however, no further clinical information was provided on the parent and it was unclear if the child also harbored the variant (Chetruengchai and Shotelersuk, 2022); Reported previously in an individual diagnosed with HCM; however, further clinical, family history, and segregation details were unavailable (Lopes et al., 2015); Reported previously as a variant of uncertain significance in a patient with non-ischemic cardiomyopathy and previous heart transplantation; however, further clinical and segregation information was provided (Boen et al., 2022); Not observed at significant frequency in large population cohorts (gnomAD); In silico analysis supports that this missense variant has a deleterious effect on protein structure/function; This variant is associated with the following publications: (PMID: 28663758, 10939567, 34621001, 35581137, 25351510)

Revvity Omics, Revvity
Classification: Uncertain significance. Last evaluated: 2022-01-25. Review status: criteria provided, single submitter. Criteria: ACMG Guidelines, 2015. Collection method: clinical testing. Allele origin: germline.

Loeys Lab, Universiteit Antwerpen
Classification: Uncertain significance for Primary dilated cardiomyopathy. Last evaluated: 2021-02-26. Review status: criteria provided, single submitter. Criteria: ACMG Guidelines, 2015. Collection method: clinical testing. Allele origin: somatic. Affected: yes. Observed: 3 variant alleles, 3 heterozygotes.
Comment: This sequence change results in a missense variant in the LMNA gene (p.(Ser295Leu)) (PP2; based on GnomAd constraint matrix). The variant is described in LVOD as variant of unknown significance (LMNA_000421). This variant is present in GnomAD with a prevalence of 7/276586.This variant has been described in literature in an individual with HCM (PMID: 25351510) but was also seen in a control-population (PMID: 28663758) .The variant affects a weakly conserved nucleotide and a moderately conserved amino acid. Prediction programs classify the variant as benign (Align GVGD: C0; Polyphen-2-HumDiv: benign ; Polyphen-2-HumVar: benign; SIFT: tolerated; MutationTaster: no result) (BP4). It is located in the intermediate filament rod domain of the LMNA protein. Functional assays have not been performed for this variant. We identified this variant in a 2 unrelated patients with DCM and a third unrelated patient presenting with refractory Ventricular tachycardia in absence of structural cardiac abnormalities. No data on segregation were available. In conclusion this variant was classified as variant of unknown significance according to ACMG-guidelines (insufficient data, criteria for other classification are not met: BS4, PP2).

Clinical Genetics, Academic Medical Center
Classification: Uncertain significance. Review status: no assertion criteria provided. Collection method: clinical testing. Allele origin: germline. Affected: yes. Study: VKGL Data-share Consensus. Not counted in ClinVar's aggregate classification.

Joint Genome Diagnostic Labs from Nijmegen and Maastricht, Radboudumc and MUMC+
Classification: Uncertain significance. Review status: no assertion criteria provided. Collection method: clinical testing. Allele origin: germline. Affected: yes. Study: VKGL Data-share Consensus. Not counted in ClinVar's aggregate classification.

Literature cited by the submitters: PubMed 20848652 (cited by 3 submitters); PubMed 30847666 (cited by 4 submitters); PubMed 34621001 (cited by Labcorp Genetics (formerly Invitae), Labcorp and Ambry Genetics); PubMed 34862408 (cited by Labcorp Genetics (formerly Invitae), Labcorp); PubMed 25351510 (cited by 5 submitters); PubMed 35581137 (cited by 4 submitters); PubMed 28663758 (cited by Mayo Clinic Laboratories, Mayo Clinic and Loeys Lab, Universiteit Antwerpen).